The following is an entry in ClinVar:

NM_000701.8(ATP1A1):c.1786C>T (p.Arg596Trp)

Genes: ATP1A1 (ATPase Na+/K+ transporting subunit alpha 1; plus strand), ATP1A1-AS1 (ATP1A1 antisense RNA 1; minus strand). Cytogenetic location: 1p13.1.
Variant type: single nucleotide variant.
Coding change: c.1786C>T on transcript NM_000701.8 (MANE Select); coding-DNA position 1786, C replaced by T.
Protein change: p.Arg596Trp; replaces arginine 596 with tryptophan.
Molecular consequence: missense variant.
Genome position (GRCh38, 1-based): chr1:116,395,235, C>T. VCF-style: chr1-116395235-C-T. GRCh37 (hg19) VCF-style: chr1-116937857-C-T.
Other names: c.1786C>T, p.Arg596Trp (NM_001160233.2); c.1693C>T, p.Arg565Trp (NM_001160234.2); short protein forms R565W, R596W.
Identifiers: ClinVar variation 4771797 (VCV004771797.1).

ClinVar aggregate classification (germline): Uncertain significance (1 of 4 stars; one submission).

Submission:

Labcorp Genetics (formerly Invitae), Labcorp
Classification: Uncertain significance. Last evaluated: 2025-05-02. Review status: criteria provided, single submitter. Criteria: Invitae Variant Classification Sherloc (09022015). Collection method: clinical testing. Allele origin: germline.
Comment: This sequence change replaces arginine, which is basic and polar, with tryptophan, which is neutral and slightly polar, at codon 596 of the ATP1A1 protein (p.Arg596Trp). This variant is not present in population databases (gnomAD no frequency). This variant has not been reported in the literature in individuals affected with ATP1A1-related conditions. Invitae Evidence Modeling of protein sequence and biophysical properties (such as structural, functional, and spatial information, amino acid conservation, physicochemical variation, residue mobility, and thermodynamic stability) indicates that this missense variant is expected to disrupt ATP1A1 protein function with a positive predictive value of 80%. In summary, the available evidence is currently insufficient to determine the role of this variant in disease. Therefore, it has been classified as a Variant of Uncertain Significance.